The following is an entry in ClinVar:

ClinVar aggregate classification (germline): Pathogenic (1 of 4 stars; one submission).

Conditions:
Hereditary hemorrhagic telangiectasia (HHT). Also called: ORW DISEASE; Osler Weber Rendu syndrome; OSLER-RENDU-WEBER DISEASE; Osler hemorrhagic telangiectasia syndrome. Identifiers: Orphanet 774, MedGen C0039445, MONDO:0019180. Disease mechanism: loss of function.

Submission:

Labcorp Genetics (formerly Invitae), Labcorp
Classification: Pathogenic for Hereditary hemorrhagic telangiectasia. Last evaluated: 2024-06-05. Review status: criteria provided, single submitter. Criteria: Invitae Variant Classification Sherloc (09022015). Collection method: clinical testing. Allele origin: germline.
Comment: This sequence change creates a premature translational stop signal (p.Gly40Alafs*3) in the ENG gene. It is expected to result in an absent or disrupted protein product. Loss-of-function variants in ENG are known to be pathogenic (PMID: 15879500). This variant is not present in population databases (gnomAD no frequency). This variant has not been reported in the literature in individuals affected with ENG-related conditions. ClinVar contains an entry for this variant (Variation ID: 578632). For these reasons, this variant has been classified as Pathogenic.

Literature cited by the submitters: PubMed 15879500.

NM_001114753.3(ENG):c.119del (p.Gly40fs)

Gene: ENG (endoglin; minus strand). Cytogenetic location: 9q34.11.
Variant type: Deletion.
Coding change: c.119del on transcript NM_001114753.3 (MANE Select); coding-DNA position 119, one base deleted (G; older notation c.119delG).
Protein change: p.Gly40fs; shifts the reading frame from glycine 40.
Molecular consequence: frameshift variant. On other transcripts: 5 prime UTR variant (1).
Genome position (GRCh38, 1-based): chr9:127,843,194, C deleted on the plus strand (G on the coding strand, the reverse complement: ENG is on the minus strand); the first of 4 consecutive C bases (chr9:127,843,194-127,843,197); deleting any one gives the same sequence. VCF-style (leftmost placement, unchanged base first): chr9-127843193-GC-G. GRCh37 (hg19) VCF-style: chr9-130605472-GC-G.
Other names: c.116delG, p.Gly40Alafs (NM_000118.4, NM_001406715.1); c.-428del (NM_001278138.2); c.119delG (NM_000118.3); short protein forms G40fs.
Identifiers: ClinVar variation 578632 (VCV000578632.9), dbSNP rs369596004, ClinGen allele CA200320724.